The following is an entry in ClinVar:

NM_152490.5(B3GALNT2):c.748C>A (p.Leu250Ile)

Gene: B3GALNT2 (beta-1,3-N-acetylgalactosaminyltransferase 2; minus strand). Cytogenetic location: 1q42.3.
Variant type: single nucleotide variant.
Coding change: c.748C>A on transcript NM_152490.5 (MANE Select); coding-DNA position 748, C replaced by A.
Protein change: p.Leu250Ile; replaces leucine 250 with isoleucine.
Molecular consequence: missense variant.
Genome position (GRCh38, 1-based): chr1:235,470,864, G>T on the plus strand (C>A on the coding strand, the complement: B3GALNT2 is on the minus strand). VCF-style: chr1-235470864-G-T. GRCh37 (hg19) VCF-style: chr1-235634178-G-T.
Other names: c.871C>A, p.Leu291Ile (NM_001277155.3); short protein forms L250I, L291I.
Identifiers: ClinVar variation 934014 (VCV000934014.1), dbSNP rs1683965217, ClinGen allele CA344919852.
Genomic context (GRCh38, chr1:235,470,864, plus strand): 5'-AAAGAAGCTAAAATATGCAATTAAACCTTAAAAAAAAACGACTTACTGTAATGACTCTGA[G>T]AACTCCCCCTCCATCATTCACTGTCACTTTGTGGAGATTTCTTGACACAAGGCCGTGGAG-3'
Protein context (NP_689703.1, residues 240-260): KVTVNDGGGV[Leu250Ile]RVITAGEGAL

ClinVar aggregate classification (germline): Uncertain significance (1 of 4 stars; one submission).

Conditions:
Muscular dystrophy-dystroglycanopathy (congenital with brain and eye anomalies), type a, 11 (MDDGA11). Also called: Congenital muscular dystrophy-dystroglycanopathy with brain and eye anomalies, type A11; WALKER-WARBURG SYNDROME OR MUSCLE-EYE-BRAIN DISEASE, B3GALNT2-RELATED; Muscular dystrophy-dystroglycanopathy (congenital with brain and eye anomalies, type A, 11. Identifiers: Orphanet 588, Orphanet 899, MedGen C3554638, MONDO:0014071, OMIM 615181.

Allele frequency attached by ClinVar (database versions not stated): gnomAD exomes below 0.00001.
gnomAD v4.1: 1 of 1,613,840 alleles (0.000062%); highest among the groups gnomAD compares: South Asian, 0.0011%; no homozygotes.

Submission:

Labcorp Genetics (formerly Invitae), Labcorp
Classification: Uncertain significance for Muscular dystrophy-dystroglycanopathy (congenital with brain and eye anomalies), type a, 11. Last evaluated: 2019-05-22. Review status: criteria provided, single submitter. Criteria: Invitae Variant Classification Sherloc (09022015). Collection method: clinical testing. Allele origin: germline.
Comment: This sequence change replaces leucine with isoleucine at codon 250 of the B3GALNT2 protein (p.Leu250Ile). The leucine residue is moderately conserved and there is a small physicochemical difference between leucine and isoleucine. This variant is not present in population databases (ExAC no frequency). This variant has not been reported in the literature in individuals with B3GALNT2-related conditions. Algorithms developed to predict the effect of missense changes on protein structure and function (SIFT, PolyPhen-2, Align-GVGD) all suggest that this variant is likely to be tolerated, but these predictions have not been confirmed by published functional studies and their clinical significance is uncertain. In summary, the available evidence is currently insufficient to determine the role of this variant in disease. Therefore, it has been classified as a Variant of Uncertain Significance.